The following is an entry in ClinVar:

NM_001184.4(ATR):c.430del (p.Val144fs)

Gene: ATR (ATR checkpoint kinase; minus strand). Cytogenetic location: 3q23.
Variant type: Deletion.
Coding change: c.430del on transcript NM_001184.4 (MANE Select); coding-DNA position 430, one base deleted (G; older notation c.430delG).
Protein change: p.Val144fs; shifts the reading frame from valine 144.
Molecular consequence: frameshift variant.
Genome position (GRCh38, 1-based): chr3:142,562,972, C deleted on the plus strand (G on the coding strand, the reverse complement: ATR is on the minus strand); the first of 4 consecutive C bases (chr3:142,562,972-142,562,975); deleting any one gives the same sequence. VCF-style (leftmost placement, unchanged base first): chr3-142562971-AC-A. GRCh37 (hg19) VCF-style: chr3-142281813-AC-A.
Other names: c.430del, p.Val144fs (NM_001354579.2); short protein forms V144fs.
Identifiers: ClinVar variation 2428195 (VCV002428195.5), dbSNP rs2473429687, ClinGen allele CA2580068921.

ClinVar aggregate classification (germline): Pathogenic (1 of 4 stars; one submission).

Submission:

Labcorp Genetics (formerly Invitae), Labcorp
Classification: Pathogenic. Last evaluated: 2022-06-28. Review status: criteria provided, single submitter. Criteria: Invitae Variant Classification Sherloc (09022015). Collection method: clinical testing. Allele origin: germline.
Comment: For these reasons, this variant has been classified as Pathogenic. This variant has not been reported in the literature in individuals affected with ATR-related conditions. This variant is not present in population databases (gnomAD no frequency). This sequence change creates a premature translational stop signal (p.Val144Tyrfs*21) in the ATR gene. It is expected to result in an absent or disrupted protein product. Loss-of-function variants in ATR are known to be pathogenic (PMID: 21228398, 23144622).

Literature cited by the submitters: PubMed 21228398; PubMed 23144622.